The following is an entry in ClinVar:

ClinVar aggregate classification (germline): Likely benign. Review status: criteria provided, multiple submitters, no conflicts (2 of 4 stars). 5 submissions from 5 submitters: Likely benign (5). Last evaluated 2025-10-07.

Conditions:
Developmental and epileptic encephalopathy, 42 (DEE42A). Also called: Epileptic encephalopathy, early infantile, 42; DEVELOPMENTAL AND EPILEPTIC ENCEPHALOPATHY 42A; EPILEPTIC ENCEPHALOPATHY, EARLY INFANTILE, 42A. Identifiers: MedGen C4310716, MONDO:0014917, OMIM 617106.
Episodic ataxia type 2 (EA2). Also called: ACETAZOLAMIDE-RESPONSIVE HEREDITARY PAROXYSMAL CEREBELLAR ATAXIA; ATAXIA, EPISODIC, WITH NYSTAGMUS; ATAXIA, FAMILIAL PAROXYSMAL; CEREBELLAR ATAXIA, PAROXYSMAL, ACETAZOLAMIDE-RESPONSIVE; CEREBELLOPATHY, HEREDITARY PAROXYSMAL; EPISODIC ATAXIA, NYSTAGMUS-ASSOCIATED. Identifiers: Orphanet 97, MedGen C1720416, MONDO:0007163, OMIM 108500.

Allele frequency attached by ClinVar (database versions not stated): gnomAD exomes 0.00002; ExAC 0.00003; gnomAD 0.00005; TOPMed 0.00008.
gnomAD v4.1: 55 of 1,575,962 alleles (0.0035%); highest among the groups gnomAD compares: Admixed American, 0.0092%; no homozygotes.

Submissions (5):

Labcorp Genetics (formerly Invitae), Labcorp
Classification: Likely benign for Developmental and epileptic encephalopathy, 42; Episodic ataxia type 2. Last evaluated: 2025-10-07. Review status: criteria provided, single submitter. Criteria: Invitae Variant Classification Sherloc (09022015). Collection method: clinical testing. Allele origin: germline.

Athena Diagnostics
Classification: Likely benign. Last evaluated: 2025-04-28. Review status: criteria provided, single submitter. Criteria: Athena Diagnostics Criteria. Collection method: clinical testing. Allele origin: unknown.
Comment: Computational tools yielded predictions that this variant is unlikely to have an effect on normal RNA splicing. This nucleotide position exhibits low evolutionary conservation. This variant has been seen where an alternate explanation for disease was also identified.

Blueprint Genetics
Classification: Likely benign. Last evaluated: 2023-11-10. Review status: criteria provided, single submitter. Criteria: ACMG Guidelines, 2015. Collection method: clinical testing. Allele origin: germline.

CeGaT Center for Human Genetics Tuebingen
Classification: Likely benign. Last evaluated: 2022-12-01. Review status: criteria provided, single submitter. Criteria: CeGaT Center For Human Genetics Tuebingen Variant Classification Criteria Version 2. Collection method: clinical testing. Allele origin: germline. Affected: yes. Observed: 1 variant allele.
Comment: CACNA1A: BP4, BP7

GeneDx
Classification: Likely benign. Last evaluated: 2020-12-08. Review status: criteria provided, single submitter. Criteria: GeneDx Variant Classification Process June 2021. Collection method: clinical testing. Allele origin: germline. Affected: yes.

NM_001127222.2(CACNA1A):c.561G>A (p.Thr187=)

Gene: CACNA1A (calcium voltage-gated channel subunit alpha1 A; minus strand). Cytogenetic location: 19p13.13.
Variant type: single nucleotide variant.
Coding change: c.561G>A on transcript NM_001127222.2 (MANE Select); coding-DNA position 561, G replaced by A.
Protein change: p.Thr187=; no amino-acid change (threonine 187 retained).
Molecular consequence: synonymous variant.
Genome position (GRCh38, 1-based): chr19:13,371,758, C>T on the plus strand (G>A on the coding strand, the complement: CACNA1A is on the minus strand). VCF-style: chr19-13371758-C-T. GRCh37 (hg19) VCF-style: chr19-13482572-C-T.
Other names: c.561G>A, p.Thr187= (NM_000068.4, NM_001127221.2, NM_001174080.2 and 1 more transcripts).
Identifiers: ClinVar variation 446933 (VCV000446933.39), dbSNP rs777316026, ClinGen allele CA9241007.